The following is an entry in ClinVar:

NM_001378454.1(ALMS1):c.10984G>T (p.Glu3662Ter)

Gene: ALMS1 (ALMS1 centrosome and basal body associated protein; plus strand). Cytogenetic location: 2p13.1.
Variant type: single nucleotide variant.
Coding change: c.10984G>T on transcript NM_001378454.1 (MANE Select); coding-DNA position 10984, G replaced by T.
Protein change: p.Glu3662Ter; replaces glutamic acid 3662 with a stop codon.
Molecular consequence: nonsense.
Genome position (GRCh38, 1-based): chr2:73,572,861, G>T. VCF-style: chr2-73572861-G-T. GRCh37 (hg19) VCF-style: chr2-73799988-G-T.
Other names: c.10987G>T, p.Glu3663Ter (NM_015120.4); short protein forms E3662*, E3663*.
Identifiers: ClinVar variation 1726304 (VCV001726304.2), dbSNP rs2466445473, ClinGen allele CA347286652.
Genomic context (GRCh38, chr2:73,572,861, plus strand): 5'-CATTCTCTCCAGGTCTCAGAAAGTACACATGATGATAGCAGAGGGGAACGAAGTGTGAAG[G>T]AATGGAGTGGTAGACAACAGCAGAGAAATAAGCTTCAGAAAAAGAAGCGGTTTAAAAGCC-3'

ClinVar aggregate classification (germline): Likely pathogenic (1 of 4 stars; one submission).

Conditions:
Alstrom syndrome (ALMS). Identifiers: Orphanet 64, MedGen C0268425, MONDO:0008763, OMIM 203800.

Submission:

Myriad Genetics, Inc.
Classification: Likely pathogenic for Alstrom syndrome. Last evaluated: 2021-12-15. Review status: criteria provided, single submitter. Criteria: Myriad Women's Health Autosomal Recessive and X-Linked Classification Criteria (2021). Collection method: clinical testing. Allele origin: unknown.
Comment: NM_015120.4(ALMS1):c.10987G>T(E3663*) is expected to be pathogenic in the context of Alstrom syndrome. This variant is predicted to lead to an abnormal or absent protein product due to the creation of a premature termination codon in ALMS1, a gene where loss-of-function variants are known to be pathogenic. Please note: this variant was assessed in the context of healthy population screening.